The following is an entry in ClinVar:

ClinVar aggregate classification (germline): Uncertain significance (1 of 4 stars; one submission).

Submission:

Ambry Genetics
Classification: Uncertain significance. Last evaluated: 2024-12-15. Review status: criteria provided, single submitter. Criteria: Ambry Variant Classification Scheme 2023. Collection method: clinical testing. Allele origin: germline.
Comment: The p.K14R variant (also known as c.41A>G), located in coding exon 1 of the GEN1 gene, results from an A to G substitution at nucleotide position 41. The lysine at codon 14 is replaced by arginine, an amino acid with highly similar properties. This amino acid position is conserved. In addition, this alteration is predicted to be tolerated by in silico analysis. Based on the available evidence, the clinical significance of this variant remains unclear.

NM_001130009.3(GEN1):c.41A>G (p.Lys14Arg)

Gene: GEN1 (GEN1 Holliday junction 5' flap endonuclease; plus strand). Cytogenetic location: 2p24.2.
Variant type: single nucleotide variant.
Coding change: c.41A>G on transcript NM_001130009.3 (MANE Select); coding-DNA position 41, A replaced by G.
Protein change: p.Lys14Arg; replaces lysine 14 with arginine.
Molecular consequence: missense variant.
Genome position (GRCh38, 1-based): chr2:17,759,984, A>G. VCF-style: chr2-17759984-A-G. GRCh37 (hg19) VCF-style: chr2-17941251-A-G.
Other names: c.41A>G, p.Lys14Arg (NM_182625.5); short protein forms K14R.
Identifiers: ClinVar variation 3853430 (VCV003853430.1).